The following is an entry in ClinVar:

NM_002088.5(GRIK5):c.481G>T (p.Ala161Ser)

Gene: GRIK5 (glutamate ionotropic receptor kainate type subunit 5; minus strand). Cytogenetic location: 19q13.2.
Variant type: single nucleotide variant.
Coding change: c.481G>T on transcript NM_002088.5 (MANE Select); coding-DNA position 481, G replaced by T.
Protein change: p.Ala161Ser; replaces alanine 161 with serine.
Molecular consequence: missense variant.
Genome position (GRCh38, 1-based): chr19:42,062,515, C>A on the plus strand (G>T on the coding strand, the complement: GRIK5 is on the minus strand). VCF-style: chr19-42062515-C-A. GRCh37 (hg19) VCF-style: chr19-42566667-C-A.
Other names: c.481G>T, p.Ala161Ser (NM_001301030.2); short protein forms A161S.
Identifiers: ClinVar variation 3344697 (VCV003344697.1).

ClinVar aggregate classification (germline): Uncertain significance (0 of 4 stars; one submission).

Conditions:
GRIK5-related disorder. Also called: GRIK5-related condition.

Submission:

PreventionGenetics, part of Exact Sciences
Classification: Uncertain significance for GRIK5-related condition. Last evaluated: 2024-09-18. Review status: no assertion criteria provided. Collection method: clinical testing. Allele origin: germline.
Comment: The GRIK5 c.481G>T variant is predicted to result in the amino acid substitution p.Ala161Ser. To our knowledge, this variant has not been reported in the literature or in a large population database, indicating this variant is rare. At this time, the clinical significance of this variant is uncertain due to the absence of conclusive functional and genetic evidence.